The following is an entry in ClinVar:

ClinVar aggregate classification (germline): Conflicting classifications of pathogenicity. Review status: criteria provided, conflicting classifications (1 of 4 stars). 4 submissions from 4 submitters: Uncertain significance (3); Benign (1). Last evaluated 2025-07-29.

Conditions:
Hereditary cancer-predisposing syndrome. Also called: Neoplastic Syndromes, Hereditary; Hereditary Cancer Syndrome; Tumor predisposition; Hereditary neoplastic syndrome. Identifiers: Orphanet 140162, MedGen C0027672, MeSH D009386, MONDO:0015356.
Holoprosencephaly 7 (HPE7). Identifiers: Orphanet 2162, MedGen C1835820, MONDO:0012562, OMIM 610828.
Basal cell carcinoma, susceptibility to, 1. Also called: BCC1. Identifiers: MedGen C2751544, MONDO:0011556, OMIM 605462.
Gorlin syndrome. Also called: Nevoid Basal Cell Carcinoma Syndrome; Basal cell nevus syndrome. Identifiers: Orphanet 377, MedGen C0004779, MONDO:0007187.

Allele frequency attached by ClinVar (database versions not stated): ExAC 0.00002; gnomAD exomes 0.00002; TOPMed 0.00002.

Submissions (4):

Labcorp Genetics (formerly Invitae), Labcorp
Classification: Benign for Gorlin syndrome. Last evaluated: 2025-07-29. Review status: criteria provided, single submitter. Criteria: Invitae Variant Classification Sherloc (09022015). Collection method: clinical testing. Allele origin: germline.

CeGaT Center for Human Genetics Tuebingen
Classification: Uncertain significance. Last evaluated: 2024-06-01. Review status: criteria provided, single submitter. Criteria: CeGaT Center For Human Genetics Tuebingen Variant Classification Criteria Version 2. Collection method: clinical testing. Allele origin: germline. Affected: yes. Observed: 1 variant allele.
Comment: PTCH1: PM2, BP1

Ambry Genetics
Classification: Uncertain significance for Hereditary cancer-predisposing syndrome. Last evaluated: 2024-04-12. Review status: criteria provided, single submitter. Criteria: Ambry Variant Classification Scheme 2023. Collection method: clinical testing. Allele origin: germline.
Comment: The p.E604K variant (also known as c.1810G>A), located in coding exon 13 of the PTCH1 gene, results from a G to A substitution at nucleotide position 1810. The glutamic acid at codon 604 is replaced by lysine, an amino acid with similar properties. This amino acid position is highly conserved in available vertebrate species. In addition, this alteration is predicted to be deleterious by in silico analysis. Based on the available evidence, the clinical significance of this variant remains unclear.

Fulgent Genetics
Classification: Uncertain significance for Basal cell nevus syndrome 1; Basal cell carcinoma, susceptibility to, 1; Holoprosencephaly 7. Last evaluated: 2021-11-10. Review status: criteria provided, single submitter. Criteria: ACMG Guidelines, 2015. Collection method: clinical testing. Allele origin: unknown.

NM_000264.5(PTCH1):c.1810G>A (p.Glu604Lys)

Genes: PTCH1 (patched 1; minus strand), LOC100507346 (uncharacterized LOC100507346; plus strand). Cytogenetic location: 9q22.32.
Variant type: single nucleotide variant.
Coding change: c.1810G>A on transcript NM_000264.5 (MANE Select); coding-DNA position 1810, G replaced by A.
Protein change: p.Glu604Lys; replaces glutamic acid 604 with lysine.
Molecular consequence: missense variant. On other transcripts: non-coding transcript variant (2).
Genome position (GRCh38, 1-based): chr9:95,469,850, C>T on the plus strand (G>A on the coding strand, the complement: PTCH1 is on the minus strand). VCF-style: chr9-95469850-C-T. GRCh37 (hg19) VCF-style: chr9-98232132-C-T.
Other names: c.1612G>A, p.Glu538Lys (NM_001083602.3); c.1807G>A, p.Glu603Lys (NM_001083603.3); c.1357G>A, p.Glu453Lys (NM_001083604.3, NM_001083605.3, NM_001083606.3 and 1 more transcripts); c.1654G>A, p.Glu552Lys (NM_001354918.2); short protein forms E538K, E604K, E552K, E603K, E453K.
Identifiers: ClinVar variation 524582 (VCV000524582.31), dbSNP rs778627715, ClinGen allele CA5138517.